The following is an entry in ClinVar:

ClinVar aggregate classification (germline): Uncertain significance (1 of 4 stars; one submission).

Conditions:
Immunodeficiency. Identifiers: MedGen C0021051, MONDO:0021094, HP:0002721.

gnomAD v4.1: 1 of 1,614,140 alleles (0.000062%); highest among the groups gnomAD compares: Non-Finnish European, 0.000085%; no homozygotes.

Submission:

Labcorp Genetics (formerly Invitae), Labcorp
Classification: Uncertain significance for Immunodeficiency. Last evaluated: 2024-04-01. Review status: criteria provided, single submitter. Criteria: Invitae Variant Classification Sherloc (09022015). Collection method: clinical testing. Allele origin: germline.
Comment: This sequence change replaces isoleucine, which is neutral and non-polar, with methionine, which is neutral and non-polar, at codon 589 of the NFAT5 protein (p.Ile589Met). This variant is present in population databases (rs763749606, gnomAD 0.007%). This variant has not been reported in the literature in individuals affected with NFAT5-related conditions. An algorithm developed to predict the effect of missense changes on protein structure and function (PolyPhen-2) suggests that this variant is likely to be tolerated. In summary, the available evidence is currently insufficient to determine the role of this variant in disease. Therefore, it has been classified as a Variant of Uncertain Significance.

NM_138713.4(NFAT5):c.2049T>G (p.Ile683Met)

Gene: NFAT5 (nuclear factor of activated T cells 5; plus strand). Cytogenetic location: 16q22.1.
Variant type: single nucleotide variant.
Coding change: c.2049T>G on transcript NM_138713.4 (MANE Select); coding-DNA position 2049, T replaced by G.
Protein change: p.Ile683Met; replaces isoleucine 683 with methionine.
Molecular consequence: missense variant.
Genome position (GRCh38, 1-based): chr16:69,691,874, T>G. VCF-style: chr16-69691874-T-G. GRCh37 (hg19) VCF-style: chr16-69725777-T-G.
Other names: c.2046T>G, p.Ile682Met (NM_001113178.3); c.1374T>G, p.Ile458Met (NM_001367709.1); c.1995T>G, p.Ile665Met (NM_006599.4); c.1767T>G, p.Ile589Met (NM_138714.4, NM_173214.3, NM_173215.3); short protein forms I665M, I682M, I683M, I458M, I589M.
Identifiers: ClinVar variation 3648360 (VCV003648360.2).